The following is an entry in ClinVar:

NM_000542.5(SFTPB):c.*1877C>A

Gene: SFTPB (surfactant protein B; minus strand). Cytogenetic location: 2p11.2.
Variant type: single nucleotide variant.
Coding change: c.*1877C>A on transcript NM_000542.5 (MANE Select); 1877 bases downstream of the stop codon, C replaced by A.
Molecular consequence: 3 prime UTR variant.
Genome position (GRCh38, 1-based): chr2:85,657,825, G>T on the plus strand (C>A on the coding strand, the complement: SFTPB is on the minus strand). VCF-style: chr2-85657825-G-T. GRCh37 (hg19) VCF-style: chr2-85884948-G-T.
Other names: c.*956C>A (NM_001367281.2); c.*1050C>A (NM_198843.4).
Identifiers: ClinVar variation 337290 (VCV000337290.5), dbSNP rs536163759, ClinGen allele CA10616184.

ClinVar aggregate classification (germline): Likely benign (1 of 4 stars; one submission).

Conditions:
Surfactant metabolism dysfunction, pulmonary, 1. Also called: INTERSTITIAL LUNG DISEASE DUE TO SURFACTANT PROTEIN B DEFICIENCY; INTERSTITIAL LUNG DISEASE, NONSPECIFIC, DUE TO SURFACTANT PROTEIN B DEFICIENCY; PULMONARY ALVEOLAR PROTEINOSIS, CONGENITAL, 1; Pulmonary surfactant protein B, deficiency of; Neonatal acute respiratory distress due to SP-B deficiency. Identifiers: Orphanet 217563, MedGen C1968602, MONDO:0009929, OMIM 265120.

Allele frequency attached by ClinVar (database versions not stated): TOPMed 0.00021; gnomAD 0.00023 and 0.00024; 1000 Genomes Project 0.00060; 1000 Genomes Project 30x 0.00062.

Submission:

Illumina Laboratory Services, Illumina
Classification: Likely benign for Surfactant metabolism dysfunction, pulmonary, 1. Last evaluated: 2018-01-13. Review status: criteria provided, single submitter. Criteria: ICSL Variant Classification Criteria 13 December 2019. Collection method: clinical testing. Allele origin: germline.
Comment: This variant was observed in the ICSL laboratory as part of a predisposition screen in an ostensibly healthy population. It had not been previously curated by ICSL or reported in the Human Gene Mutation Database (HGMD: prior to June 1st, 2018), and was therefore a candidate for classification through an automated scoring system. Utilizing variant allele frequency, disease prevalence and penetrance estimates, and inheritance mode, an automated score was calculated to assess if this variant is too frequent to cause the disease. Based on the score and internal cut-off values, a variant classified as likely benign is not then subjected to further curation. The score for this variant resulted in a classification of likely benign for this disease.